The following is an entry in ClinVar:

NM_033026.6(PCLO):c.92G>A (p.Ser31Asn)

Gene: PCLO (piccolo presynaptic cytomatrix protein; minus strand). Cytogenetic location: 7q21.11.
Variant type: single nucleotide variant.
Coding change: c.92G>A on transcript NM_033026.6 (MANE Select); coding-DNA position 92, G replaced by A.
Protein change: p.Ser31Asn; replaces serine 31 with asparagine.
Molecular consequence: missense variant.
Genome position (GRCh38, 1-based): chr7:83,162,501, C>T on the plus strand (G>A on the coding strand, the complement: PCLO is on the minus strand). VCF-style: chr7-83162501-C-T. GRCh37 (hg19) VCF-style: chr7-82791817-C-T.
Other names: c.92G>A, p.Ser31Asn (NM_014510.3); short protein forms S31N.
Identifiers: ClinVar variation 3604220 (VCV003604220.1).

ClinVar aggregate classification (germline): Uncertain significance (1 of 4 stars; one submission).

gnomAD v4.1: 34 of 1,566,640 alleles (0.0022%); highest among the groups gnomAD compares: East Asian, 0.074%; no homozygotes.

Submission:

Labcorp Genetics (formerly Invitae), Labcorp
Classification: Uncertain significance. Last evaluated: 2025-02-02. Review status: criteria provided, single submitter. Criteria: Invitae Variant Classification Sherloc (09022015). Collection method: clinical testing. Allele origin: germline.
Comment: This sequence change replaces serine, which is neutral and polar, with asparagine, which is neutral and polar, at codon 31 of the PCLO protein (p.Ser31Asn). This variant is present in population databases (rs368159454, gnomAD 0.09%). This variant has not been reported in the literature in individuals affected with PCLO-related conditions. Experimental studies and prediction algorithms are not available or were not evaluated, and the functional significance of this variant is currently unknown. In summary, the available evidence is currently insufficient to determine the role of this variant in disease. Therefore, it has been classified as a Variant of Uncertain Significance.